The following is an entry in ClinVar:

NM_015443.4(KANSL1):c.1533+7A>G

Gene: KANSL1 (KAT8 regulatory NSL complex subunit 1). Cytogenetic location: 17q21.31.
Variant type: single nucleotide variant.
Coding change: c.1533+7A>G on transcript NM_015443.4 (MANE Select); 7 bases into the intron after coding-DNA position 1533, A replaced by G.
Molecular consequence: intron variant.
Genome position (GRCh38, 1-based): chr17:46,082,434, T>C on the plus strand (A>G on the coding strand, the complement: KANSL1 is on the minus strand). VCF-style: chr17-46082434-T-C. GRCh37 (hg19) VCF-style: chr17-44159800-T-C.
Other names: c.1533+7A>G (NM_001193465.2, NM_001379198.1, NM_001193466.2).
Identifiers: ClinVar variation 1555462 (VCV001555462.8), dbSNP rs2079019657, ClinGen allele CA2262134752.

ClinVar aggregate classification (germline): Conflicting classifications of pathogenicity. Review status: criteria provided, conflicting classifications (1 of 4 stars). 2 submissions from 2 submitters: Uncertain significance (1); Likely benign (1). Last evaluated 2024-11-21.

Conditions:
Koolen-de Vries syndrome (KDVS). Identifiers: Orphanet 96169, MedGen C1864871, MONDO:0012496, OMIM 610443.

Allele frequency attached by ClinVar (database versions not stated): TOPMed below 0.00001.

Submissions (2):

Women's Health and Genetics/Laboratory Corporation of America, LabCorp
Classification: Uncertain significance. Last evaluated: 2024-11-21. Review status: criteria provided, single submitter. Criteria: LabCorp Variant Classification Summary - May 2015. Collection method: clinical testing. Allele origin: germline.
Comment: Variant summary: KANSL1 c.1533+7A>G alters a conserved nucleotide located close to a canonical splice site and therefore could affect mRNA splicing, leading to a significantly altered protein sequence. Consensus agreement among computation tools predict no significant impact on normal splicing. However, these predictions have yet to be confirmed by functional studies. The variant was absent in 248906 control chromosomes. The available data on variant occurrences in the general population are insufficient to allow any conclusion about variant significance. To our knowledge, no occurrence of c.1533+7A>G in individuals affected with Koolen-De Vries Syndrome and no experimental evidence demonstrating its impact on protein function have been reported. ClinVar contains an entry for this variant (Variation ID: 1555462). Based on the evidence outlined above, the variant was classified as uncertain significance.

Labcorp Genetics (formerly Invitae), Labcorp
Classification: Likely benign for Koolen-de Vries syndrome. Last evaluated: 2021-04-29. Review status: criteria provided, single submitter. Criteria: Invitae Variant Classification Sherloc (09022015). Collection method: clinical testing. Allele origin: germline.